The following is an entry in ClinVar:

NM_004753.7(DHRS3):c.459+10A>C

Gene: DHRS3 (dehydrogenase/reductase 3; minus strand). Cytogenetic location: 1p36.21.
Variant type: single nucleotide variant.
Coding change: c.459+10A>C on transcript NM_004753.7 (MANE Select); 10 bases into the intron after coding-DNA position 459, A replaced by C.
Molecular consequence: intron variant.
Genome position (GRCh38, 1-based): chr1:12,579,283, T>G on the plus strand (A>C on the coding strand, the complement: DHRS3 is on the minus strand). VCF-style: chr1-12579283-T-G. GRCh37 (hg19) VCF-style: chr1-12639311-T-G.
Other names: c.204+10A>C (NM_001319225.2, NM_001324370.2).
Identifiers: ClinVar variation 3052518 (VCV003052518.2), dbSNP rs192273224, ClinGen allele CA604661.

ClinVar aggregate classification (germline): Benign (0 of 4 stars; one submission).

Conditions:
DHRS3-related disorder. Also called: DHRS3-related condition.

Allele frequency attached by ClinVar (database versions not stated): 1000 Genomes Project 30x 0.00094; 1000 Genomes Project 0.00120; gnomAD 0.00218; ESP Exome Variant Server 0.00277; ExAC 0.00285; gnomAD exomes 0.00310.

Submission:

PreventionGenetics, part of Exact Sciences
Classification: Benign for DHRS3-related condition. Last evaluated: 2019-03-22. Review status: no assertion criteria provided. Collection method: clinical testing. Allele origin: germline.
Comment: This variant is classified as benign based on ACMG/AMP sequence variant interpretation guidelines (Richards et al. 2015 PMID: 25741868, with internal and published modifications).